The following is an entry in ClinVar:

ClinVar aggregate classification (germline): Pathogenic. Review status: reviewed by expert panel (3 of 4 stars). 8 submissions from 8 submitters: Pathogenic (1). 7 of the submissions do not count toward it. Last evaluated 2016-10-18.

Conditions:
Hereditary breast ovarian cancer syndrome. Also called: Hereditary breast and ovarian cancer; Hereditary breast and ovarian cancer syndrome (HBOC); Hereditary breast and/or ovarian cancer syndrome; Breast and ovarian cancer; Hereditary breast and ovarian cancer syndrome; BRCA1- and BRCA2-Associated Hereditary Breast and Ovarian Cancer. Identifiers: Orphanet 145, MedGen C0677776, MeSH D061325, MONDO:0003582. Disease mechanism: loss of function.
Hereditary cancer-predisposing syndrome. Also called: Tumor predisposition; Neoplastic Syndromes, Hereditary; Hereditary neoplastic syndrome; Hereditary Cancer Syndrome. Identifiers: Orphanet 140162, MedGen C0027672, MeSH D009386, MONDO:0015356.
Breast-ovarian cancer, familial, susceptibility to, 2 (BROVCA2). Also called: BRCA2 Hereditary Breast and Ovarian Cancer. Identifiers: Orphanet 145, MedGen C2675520, MONDO:0012933, OMIM 612555. Disease mechanism: loss of function.

Submissions (8):

Evidence-based Network for the Interpretation of Germline Mutant Alleles (ENIGMA)
Classification: Pathogenic for Breast-ovarian cancer, familial, susceptibility to, 2. Last evaluated: 2016-10-18. Review status: reviewed by expert panel. Criteria: ENIGMA BRCA1/2 Classification Criteria (2015). Collection method: curation. Allele origin: germline.
Comment: Variant allele predicted to encode a truncated non-functional protein.

Labcorp Genetics (formerly Invitae), Labcorp
Classification: Pathogenic for Hereditary breast ovarian cancer syndrome. Last evaluated: 2024-07-11. Review status: criteria provided, single submitter. Criteria: Invitae Variant Classification Sherloc (09022015). Collection method: clinical testing. Allele origin: germline. Not counted in ClinVar's aggregate classification.
Comment: This sequence change creates a premature translational stop signal (p.Asn1435Ilefs*13) in the BRCA2 gene. It is expected to result in an absent or disrupted protein product. Loss-of-function variants in BRCA2 are known to be pathogenic (PMID: 20104584). This variant is not present in population databases (gnomAD no frequency). This premature translational stop signal has been observed in individual(s) with a personal and/or family history of breast or ovarian cancer (PMID: 29446198). ClinVar contains an entry for this variant (Variation ID: 266801). For these reasons, this variant has been classified as Pathogenic.

Myriad Genetics, Inc.
Classification: Pathogenic for Breast-ovarian cancer, familial, susceptibility to, 2. Last evaluated: 2024-01-30. Review status: criteria provided, single submitter. Criteria: Myriad Autosomal Dominant, Autosomal Recessive and X-Linked Classification Criteria (2023). Collection method: clinical testing. Allele origin: unknown. Not counted in ClinVar's aggregate classification.
Comment: This variant is considered pathogenic. This variant creates a frameshift predicted to result in premature protein truncation.

All of Us Research Program, National Institutes of Health
Classification: Pathogenic for Breast-ovarian cancer, familial, susceptibility to, 2. Last evaluated: 2023-12-13. Review status: criteria provided, single submitter. Criteria: ACMG Guidelines, 2015. Collection method: clinical testing. Allele origin: germline. Inheritance: Autosomal dominant inheritance. Observed: 1 variant allele, 1 heterozygote. Not counted in ClinVar's aggregate classification.
Comment: This variant deletes 1 nucleotide in exon 11 of the BRCA2 gene, creating a frameshift and premature translation stop signal. This variant is expected to result in an absent or non-functional protein product. To our knowledge, this variant has not been reported in individuals affected with hereditary cancer in the literature. This variant has not been identified in the general population by the Genome Aggregation Database (gnomAD). Loss of BRCA2 function is a known mechanism of disease. Based on the available evidence, this variant is classified as Pathogenic.

This study involves interpretation of variants in research participants for the purpose of population health screening. Participant phenotype was not available at the time of variant classification. Additional details can be found in publication PMID: 35346344, PMCID: PMC8962531

Color Diagnostics, LLC DBA Color Health
Classification: Pathogenic for Hereditary cancer-predisposing syndrome. Last evaluated: 2023-10-18. Review status: criteria provided, single submitter. Criteria: ACMG Guidelines, 2015. Collection method: clinical testing. Allele origin: germline. Not counted in ClinVar's aggregate classification.
Comment: This variant deletes 1 nucleotide in exon 11 of the BRCA2 gene, creating a frameshift and premature translation stop signal. This variant is expected to result in an absent or non-functional protein product. This variant has been reported in a suspected hereditary breast and ovarian cancer family (PMID: 29446198). This variant has not been identified in the general population by the Genome Aggregation Database (gnomAD). Loss of BRCA2 function is a known mechanism of disease. Based on the available evidence, this variant is classified as Pathogenic.

Quest Diagnostics Nichols Institute San Juan Capistrano
Classification: Pathogenic. Last evaluated: 2019-01-07. Review status: criteria provided, single submitter. Criteria: Quest Diagnostics criteria. Collection method: clinical testing. Allele origin: germline. Not counted in ClinVar's aggregate classification.
Comment: The variant results in a shift of the reading frame, and is therefore predicted to result in the loss of a functional protein. Found in at least one symptomatic patient, and not found in general population data.

Ambry Genetics
Classification: Pathogenic for Hereditary cancer-predisposing syndrome. Last evaluated: 2018-10-19. Review status: criteria provided, single submitter. Criteria: Ambry Variant Classification Scheme 2023. Collection method: clinical testing. Allele origin: germline. Not counted in ClinVar's aggregate classification.
Comment: The c.4304delA pathogenic mutation, located in coding exon 10 of the BRCA2 gene, results from a deletion of one nucleotide at nucleotide position 4304, causing a translational frameshift with a predicted alternate stop codon (p.N1435Ifs*13). This alteration is expected to result in loss of function by premature protein truncation or nonsense-mediated mRNA decay. As such, this alteration is interpreted as a disease-causing mutation.

Consortium of Investigators of Modifiers of BRCA1/2 (CIMBA), c/o University of Cambridge
Classification: Pathogenic for Breast-ovarian cancer, familial, susceptibility to, 2. Last evaluated: 2015-10-02. Review status: criteria provided, single submitter. Criteria: CIMBA Mutation Classification guidelines May 2016. Collection method: clinical testing. Allele origin: germline. Not counted in ClinVar's aggregate classification.

Literature cited by the submitters: PubMed 20104584 (cited by Labcorp Genetics (formerly Invitae), Labcorp); PubMed 29446198 (cited by 3 submitters).

NM_000059.4(BRCA2):c.4304del (p.Asn1435fs)

Gene: BRCA2 (BRCA2 DNA repair associated; plus strand). Cytogenetic location: 13q13.1.
Variant type: Deletion.
Coding change: c.4304del on transcript NM_000059.4 (MANE Select); coding-DNA position 4304, one base deleted (A; older notation c.4304delA).
Protein change: p.Asn1435fs; shifts the reading frame from asparagine 1435.
Molecular consequence: frameshift variant.
Genome position (GRCh38, 1-based): chr13:32,338,659, A deleted; the last of 5 consecutive A bases (chr13:32,338,655-32,338,659); deleting any one gives the same sequence. VCF-style (leftmost placement, unchanged base first): chr13-32338654-GA-G. GRCh37 (hg19) VCF-style: chr13-32912791-GA-G.
Other names: 4532delA; c.4304delA (NM_000059.3); short protein forms N1435fs.
Identifiers: ClinVar variation 266801 (VCV000266801.20), dbSNP rs886040520, ClinGen allele CA10589250.
Genomic context (GRCh38, chr13:32,338,654, plus strand): 5'-AACGGAGCAAAATATAAAAGATTTTGAGACTTCTGATACATTTTTTCAGACTGCAAGTGG[GA>G]AAAATATTAGTGTCGCCAAAGAGTCATTTAATAAAATTGTAAATTTCTTTGATCAGAAAC-3'